The following is an entry in ClinVar:

NM_003073.5(SMARCB1):c.505G>C (p.Asp169His)

Gene: SMARCB1 (SWI/SNF related BAF chromatin remodeling complex subunit B1; plus strand). Cytogenetic location: 22q11.23.
Variant type: single nucleotide variant.
Coding change: c.505G>C on transcript NM_003073.5 (MANE Select); coding-DNA position 505, G replaced by C.
Protein change: p.Asp169His; replaces aspartic acid 169 with histidine.
Molecular consequence: missense variant.
Genome position (GRCh38, 1-based): chr22:23,803,299, G>C. VCF-style: chr22-23803299-G-C. GRCh37 (hg19) VCF-style: chr22-24145486-G-C.
Other names: c.478G>C, p.Asp160His (NM_001007468.3); c.532G>C, p.Asp178His (NM_001317946.2); c.559G>C, p.Asp187His (NM_001362877.2); short protein forms D169H, D187H, D160H, D178H.
Identifiers: ClinVar variation 1745098 (VCV001745098.6), dbSNP rs2517684003, ClinGen allele CA410935411.
Genomic context (GRCh38, chr22:23,803,299, plus strand): 5'-TTGCATACCTAGGGCTCCGGCCCCCTCGCTGACTGTTGCTTCCATTTCACTTTCAGCTTT[G>C]ATGACCATGACCCAGCTGTGATCCATGAGAACGCATCTCAGCCCGAGGTGCTGGTCCCCA-3'
Protein context (NP_003064.2, residues 159-179): DKKRTFPLCF[Asp169His]DHDPAVIHEN

ClinVar aggregate classification (germline): Uncertain significance. Review status: criteria provided, multiple submitters, no conflicts (2 of 4 stars). 2 submissions from 2 submitters: Uncertain significance (2). Last evaluated 2024-03-27.

Conditions:
Hereditary cancer-predisposing syndrome. Also called: Hereditary Cancer Syndrome; Neoplastic Syndromes, Hereditary; Tumor predisposition; Hereditary neoplastic syndrome. Identifiers: Orphanet 140162, MedGen C0027672, MeSH D009386, MONDO:0015356.

Allele frequency attached by ClinVar (database versions not stated): gnomAD exomes below 0.00001.

Submissions (2):

Ambry Genetics
Classification: Uncertain significance for Hereditary cancer-predisposing syndrome. Last evaluated: 2024-03-27. Review status: criteria provided, single submitter. Criteria: Ambry Variant Classification Scheme 2023. Collection method: clinical testing. Allele origin: germline.
Comment: The p.D169H variant (also known as c.505G>C), located in coding exon 5 of the SMARCB1 gene, results from a G to C substitution at nucleotide position 505. The aspartic acid at codon 169 is replaced by histidine, an amino acid with similar properties. This amino acid position is highly conserved in available vertebrate species. In addition, this alteration is predicted to be deleterious by in silico analysis. Based on the available evidence, the clinical significance of this alteration remains unclear.

Labcorp Genetics (formerly Invitae), Labcorp
Classification: Uncertain significance. Last evaluated: 2023-12-23. Review status: criteria provided, single submitter. Criteria: Invitae Variant Classification Sherloc (09022015). Collection method: clinical testing. Allele origin: germline.
Comment: This sequence change replaces aspartic acid, which is acidic and polar, with histidine, which is basic and polar, at codon 169 of the SMARCB1 protein (p.Asp169His). This variant is not present in population databases (gnomAD no frequency). This variant has not been reported in the literature in individuals affected with SMARCB1-related conditions. ClinVar contains an entry for this variant (Variation ID: 1745098). Advanced modeling of protein sequence and biophysical properties (such as structural, functional, and spatial information, amino acid conservation, physicochemical variation, residue mobility, and thermodynamic stability) performed at Invitae indicates that this missense variant is expected to disrupt SMARCB1 protein function with a positive predictive value of 80%. In summary, the available evidence is currently insufficient to determine the role of this variant in disease. Therefore, it has been classified as a Variant of Uncertain Significance.